The following is an entry in ClinVar:

ClinVar aggregate classification (germline): Uncertain significance. Review status: criteria provided, multiple submitters, no conflicts (2 of 4 stars). 4 submissions from 4 submitters: Uncertain significance (4). Last evaluated 2025-08-31.

Conditions:
Finnish type amyloidosis. Also called: Lattice corneal dystrophy associated with familial systemic amyloidosis; Meretoja's syndrome; Lattice dystrophy of the cornea with hereditary generalized amyloidosis; AMYLOID CRANIAL NEUROPATHY WITH LATTICE CORNEAL DYSTROPHY; AMYLOIDOSIS DUE TO MUTANT GELSOLIN; Amyloidosis, familial, Finnish type. Identifiers: Orphanet 85448, MedGen C1622345, MONDO:0007097, OMIM 105120.
Inborn genetic diseases. Identifiers: MedGen C0950123, MeSH D030342.

Allele frequency attached by ClinVar (database versions not stated): gnomAD 0.00002; TOPMed 0.00004.
gnomAD v4.1: 68 of 1,613,312 alleles (0.0042%); highest among the groups gnomAD compares: Non-Finnish European, 0.0053%; no homozygotes.

Submissions (4):

Ambry Genetics
Classification: Uncertain significance for Inborn genetic diseases. Last evaluated: 2025-08-31. Review status: criteria provided, single submitter. Criteria: Ambry Variant Classification Scheme 2023. Collection method: clinical testing. Allele origin: germline.

Labcorp Genetics (formerly Invitae), Labcorp
Classification: Uncertain significance. Last evaluated: 2025-06-26. Review status: criteria provided, single submitter. Criteria: Invitae Variant Classification Sherloc (09022015). Collection method: clinical testing. Allele origin: germline.
Comment: This sequence change replaces arginine, which is basic and polar, with histidine, which is basic and polar, at codon 652 of the GSN protein (p.Arg652His). This variant is present in population databases (no rsID available, gnomAD 0.005%). This variant has not been reported in the literature in individuals affected with GSN-related conditions. ClinVar contains an entry for this variant (Variation ID: 1783296). Invitae Evidence Modeling of protein sequence and biophysical properties (such as structural, functional, and spatial information, amino acid conservation, physicochemical variation, residue mobility, and thermodynamic stability) indicates that this missense variant is expected to disrupt GSN protein function with a positive predictive value of 80%. In summary, the available evidence is currently insufficient to determine the role of this variant in disease. Therefore, it has been classified as a Variant of Uncertain Significance.

CeGaT Center for Human Genetics Tuebingen
Classification: Uncertain significance. Last evaluated: 2024-07-01. Review status: criteria provided, single submitter. Criteria: CeGaT Center For Human Genetics Tuebingen Variant Classification Criteria Version 2. Collection method: clinical testing. Allele origin: germline. Affected: yes. Observed: 1 variant allele.

Fulgent Genetics
Classification: Uncertain significance for Finnish type amyloidosis. Last evaluated: 2024-01-03. Review status: criteria provided, single submitter. Criteria: ACMG Guidelines, 2015. Collection method: clinical testing. Allele origin: germline.

NM_198252.3(GSN):c.1802G>A (p.Arg601His)

Gene: GSN (gelsolin; plus strand). Cytogenetic location: 9q33.2.
Variant type: single nucleotide variant.
Coding change: c.1802G>A on transcript NM_198252.3 (MANE Select); coding-DNA position 1802, G replaced by A.
Protein change: p.Arg601His; replaces arginine 601 with histidine.
Molecular consequence: missense variant.
Genome position (GRCh38, 1-based): chr9:121,328,930, G>A. VCF-style: chr9-121328930-G-A. GRCh37 (hg19) VCF-style: chr9-124091208-G-A.
Other names: c.1835G>A, p.Arg612His (NM_001353070.2, NM_001353071.2, NM_001353072.2 and 13 more transcripts); c.1874G>A, p.Arg625His (NM_001353076.2); c.1148G>A, p.Arg383His (NM_001353078.2); c.1955G>A, p.Arg652His (NM_000177.5); c.1802G>A, p.Arg601His (NM_001127662.2, NM_001127664.2, NM_001127665.2 and 10 more transcripts); c.1910G>A, p.Arg637His (NM_001127663.2); c.1853G>A, p.Arg618His (NM_001258029.2); c.1826G>A, p.Arg609His (NM_001258030.2); short protein forms R652H, R383H, R609H, R625H, R637H, R601H, R612H, R618H.
Identifiers: ClinVar variation 1783296 (VCV001783296.26), dbSNP rs894352373, ClinGen allele CA199415182.